The following is an entry in ClinVar:

ClinVar aggregate classification (germline): Uncertain significance (1 of 4 stars; one submission).

Submission:

GeneDx
Classification: Uncertain significance. Last evaluated: 2023-12-30. Review status: criteria provided, single submitter. Criteria: GeneDx Variant Classification Process June 2021. Collection method: clinical testing. Allele origin: germline. Affected: yes.
Comment: Not observed at significant frequency in large population cohorts (gnomAD); In silico analysis supports that this missense variant has a deleterious effect on protein structure/function; Has not been previously published as pathogenic or benign to our knowledge

NM_020320.5(RARS2):c.1282G>C (p.Gly428Arg)

Gene: RARS2 (arginyl-tRNA synthetase 2, mitochondrial; minus strand). Cytogenetic location: 6q15.
Variant type: single nucleotide variant.
Coding change: c.1282G>C on transcript NM_020320.5 (MANE Select); coding-DNA position 1282, G replaced by C.
Protein change: p.Gly428Arg; replaces glycine 428 with arginine.
Molecular consequence: missense variant. On other transcripts: non-coding transcript variant (23).
Genome position (GRCh38, 1-based): chr6:87,518,847, C>G on the plus strand (G>C on the coding strand, the complement: RARS2 is on the minus strand). VCF-style: chr6-87518847-C-G. GRCh37 (hg19) VCF-style: chr6-88228565-C-G.
Other names: c.757G>C, p.Gly253Arg (NM_001318785.2, NM_001350506.2, NM_001350507.2 and 4 more transcripts); c.1282G>C, p.Gly428Arg (NM_001350505.2); short protein forms G253R, G428R.
Identifiers: ClinVar variation 3342784 (VCV003342784.1).
Genomic context (GRCh38, chr6:87,518,847, plus strand): 5'-AAACAAAAGGGCCTCACAGGTAGGAGTCTTAACAGACCTGAATAATGAGTGCTGCGAGCC[C>G]GACCCTCTCTGCAGTCTCTTGTGGGTTCTTGAGTTCTTTAGTTGCTGAAACAGACAAAGG-3'
Protein context (NP_064716.2, residues 418-438): KNPQETAERV[Gly428Arg]LAALIIQDFK